The following is an entry in ClinVar:

NM_000254.3(MTR):c.3003A>T (p.Thr1001=)

Gene: MTR (5-methyltetrahydrofolate-homocysteine methyltransferase; plus strand). Cytogenetic location: 1q43.
Variant type: single nucleotide variant.
Coding change: c.3003A>T on transcript NM_000254.3 (MANE Select); coding-DNA position 3003, A replaced by T.
Protein change: p.Thr1001=; no amino-acid change (threonine 1001 retained).
Molecular consequence: synonymous variant.
Genome position (GRCh38, 1-based): chr1:236,889,332, A>T. VCF-style: chr1-236889332-A-T. GRCh37 (hg19) VCF-style: chr1-237052632-A-T.
Other names: c.2850A>T, p.Thr950= (NM_001291939.1); c.1782A>T, p.Thr594= (NM_001291940.2).
Identifiers: ClinVar variation 381031 (VCV000381031.1), dbSNP rs1057520933, ClinGen allele CA16603546.

ClinVar aggregate classification (germline): Likely benign (1 of 4 stars; one submission).

Allele frequency attached by ClinVar (database versions not stated): gnomAD exomes below 0.00001.
gnomAD v4.1: 2 of 1,614,214 alleles (0.00012%); highest among the groups gnomAD compares: Non-Finnish European, 0.00017%; no homozygotes.

Submission:

GeneDx
Classification: Likely benign. Last evaluated: 2015-10-28. Review status: criteria provided, single submitter. Criteria: GeneDx Variant Classification (06012015). Collection method: clinical testing. Allele origin: germline. Affected: yes.
Comment: This variant is considered likely benign or benign based on one or more of the following criteria: it is a conservative change, it occurs at a poorly conserved position in the protein, it is predicted to be benign by multiple in silico algorithms, and/or has population frequency not consistent with disease.